The following is an entry in ClinVar:

ClinVar aggregate classification (germline): Uncertain significance (1 of 4 stars; one submission).

Allele frequency attached by ClinVar (database versions not stated): TOPMed 0.00001.
gnomAD v4.1: 2 of 1,454,916 alleles (0.00014%); highest among the groups gnomAD compares: East Asian, 0.0033%; no homozygotes.

Submission:

Labcorp Genetics (formerly Invitae), Labcorp
Classification: Uncertain significance. Last evaluated: 2023-07-03. Review status: criteria provided, single submitter. Criteria: Invitae Variant Classification Sherloc (09022015). Collection method: clinical testing. Allele origin: germline.
Comment: This sequence change replaces arginine, which is basic and polar, with lysine, which is basic and polar, at codon 64 of the ABHD12 protein (p.Arg64Lys). This variant also falls at the last nucleotide of exon 1, which is part of the consensus splice site for this exon. This variant is not present in population databases (gnomAD no frequency). This variant has not been reported in the literature in individuals affected with ABHD12-related conditions. ClinVar contains an entry for this variant (Variation ID: 2089564). An algorithm developed to predict the effect of missense changes on protein structure and function (PolyPhen-2) suggests that this variant is likely to be disruptive. Variants that disrupt the consensus splice site are a relatively common cause of aberrant splicing (PMID: 17576681, 9536098). Algorithms developed to predict the effect of sequence changes on RNA splicing suggest that this variant may disrupt the consensus splice site. In summary, the available evidence is currently insufficient to determine the role of this variant in disease. Therefore, it has been classified as a Variant of Uncertain Significance.

Literature cited by the submitters: PubMed 17576681; PubMed 9536098.

NM_001042472.3(ABHD12):c.191G>A (p.Arg64Lys)

Gene: ABHD12 (abhydrolase domain containing 12, lysophospholipase; minus strand). Cytogenetic location: 20p11.21.
Variant type: single nucleotide variant.
Coding change: c.191G>A on transcript NM_001042472.3 (MANE Select); coding-DNA position 191, G replaced by A.
Protein change: p.Arg64Lys; replaces arginine 64 with lysine.
Molecular consequence: missense variant.
Genome position (GRCh38, 1-based): chr20:25,390,513, C>T on the plus strand (G>A on the coding strand, the complement: ABHD12 is on the minus strand). VCF-style: chr20-25390513-C-T. GRCh37 (hg19) VCF-style: chr20-25371149-C-T.
Other names: c.191G>A, p.Arg64Lys (NM_015600.5); short protein forms R64K.
Identifiers: ClinVar variation 2089564 (VCV002089564.4), dbSNP rs1183847169, ClinGen allele CA408445016.